The following is an entry in ClinVar:

ClinVar aggregate classification (germline): Uncertain significance (1 of 4 stars; one submission).

Conditions:
Autosomal dominant limb-girdle muscular dystrophy type 1G (LGMDD3). Also called: Limb-girdle muscular dystrophy, type 1G; MUSCULAR DYSTROPHY, LIMB-GIRDLE, AUTOSOMAL DOMINANT 3. Identifiers: Orphanet 55596, MedGen C1836765, MONDO:0012193, OMIM 609115.

Submission:

Labcorp Genetics (formerly Invitae), Labcorp
Classification: Uncertain significance for Autosomal dominant limb-girdle muscular dystrophy type 1G. Last evaluated: 2024-07-24. Review status: criteria provided, single submitter. Criteria: Invitae Variant Classification Sherloc (09022015). Collection method: clinical testing. Allele origin: germline.
Comment: This sequence change replaces aspartic acid, which is acidic and polar, with tyrosine, which is neutral and polar, at codon 122 of the HNRNPDL protein (p.Asp122Tyr). This variant is not present in population databases (gnomAD no frequency). This variant has not been reported in the literature in individuals affected with HNRNPDL-related conditions. An algorithm developed to predict the effect of missense changes on protein structure and function (PolyPhen-2) suggests that this variant is likely to be tolerated. In summary, the available evidence is currently insufficient to determine the role of this variant in disease. Therefore, it has been classified as a Variant of Uncertain Significance.

NM_031372.4(HNRNPDL):c.364G>T (p.Asp122Tyr)

Gene: HNRNPDL (heterogeneous nuclear ribonucleoprotein D like; minus strand). Cytogenetic location: 4q21.22.
Variant type: single nucleotide variant.
Coding change: c.364G>T on transcript NM_031372.4 (MANE Select); coding-DNA position 364, G replaced by T.
Protein change: p.Asp122Tyr; replaces aspartic acid 122 with tyrosine.
Molecular consequence: missense variant. On other transcripts: non-coding transcript variant (1).
Genome position (GRCh38, 1-based): chr4:82,429,327, C>A on the plus strand (G>T on the coding strand, the complement: HNRNPDL is on the minus strand). VCF-style: chr4-82429327-C-A. GRCh37 (hg19) VCF-style: chr4-83350480-C-A.
Other names: c.364G>T, p.Asp122Tyr (NM_001207000.1); short protein forms D122Y.
Identifiers: ClinVar variation 3660554 (VCV003660554.2).